The following is an entry in ClinVar:

ClinVar aggregate classification (germline): Uncertain significance (1 of 4 stars; one submission).

Conditions:
Hereditary pancreatitis (PCTT). Also called: Hereditary chronic pancreatitis; PRSS1-Related Hereditary Pancreatitis. Identifiers: Orphanet 676, MedGen C0238339, MONDO:0008185, OMIM 167800.

Submission:

Ambry Genetics
Classification: Uncertain significance for Hereditary pancreatitis. Last evaluated: 2026-01-22. Review status: criteria provided, single submitter. Criteria: Ambry Variant Classification Scheme 2023. Collection method: clinical testing. Allele origin: germline.
Comment: The p.C75S variant (also known as c.224G>C), located in coding exon 3 of the CTRC gene, results from a G to C substitution at nucleotide position 224. The cysteine at codon 75 is replaced by serine, an amino acid with dissimilar properties. This amino acid position is conserved. In addition, this alteration is predicted to be deleterious by in silico analysis. Based on the available evidence, the clinical significance of this variant remains unclear.

NM_007272.3(CTRC):c.224G>C (p.Cys75Ser)

Gene: CTRC (chymotrypsin C; plus strand). Cytogenetic location: 1p36.21.
Variant type: single nucleotide variant.
Coding change: c.224G>C on transcript NM_007272.3 (MANE Select); coding-DNA position 224, G replaced by C.
Protein change: p.Cys75Ser; replaces cysteine 75 with serine.
Molecular consequence: missense variant.
Genome position (GRCh38, 1-based): chr1:15,440,584, G>C. VCF-style: chr1-15440584-G-C. GRCh37 (hg19) VCF-style: chr1-15767080-G-C.
Other names: short protein forms C75S.
Identifiers: ClinVar variation 4845088 (VCV004845088.1).